The following is an entry in ClinVar:

ClinVar aggregate classification (germline): Uncertain significance. Review status: criteria provided, multiple submitters, no conflicts (2 of 4 stars). 3 submissions from 3 submitters: Uncertain significance (3). Last evaluated 2025-04-13.

Allele frequency attached by ClinVar (database versions not stated): gnomAD exomes 0.00001; TOPMed 0.00001; gnomAD 0.00002.

Submissions (3):

Ambry Genetics
Classification: Uncertain significance. Last evaluated: 2025-04-13. Review status: criteria provided, single submitter. Criteria: Ambry Variant Classification Scheme 2023. Collection method: clinical testing. Allele origin: germline.

Labcorp Genetics (formerly Invitae), Labcorp
Classification: Uncertain significance. Last evaluated: 2024-05-14. Review status: criteria provided, single submitter. Criteria: Invitae Variant Classification Sherloc (09022015). Collection method: clinical testing. Allele origin: germline.
Comment: This sequence change replaces serine, which is neutral and polar, with asparagine, which is neutral and polar, at codon 201 of the PITPNM3 protein (p.Ser201Asn). This variant is present in population databases (no rsID available, gnomAD 0.001%). This variant has not been reported in the literature in individuals affected with PITPNM3-related conditions. ClinVar contains an entry for this variant (Variation ID: 2044879). Advanced modeling of protein sequence and biophysical properties (such as structural, functional, and spatial information, amino acid conservation, physicochemical variation, residue mobility, and thermodynamic stability) has been performed at Invitae for this missense variant, however the output from this modeling did not meet the statistical confidence thresholds required to predict the impact of this variant on PITPNM3 protein function. In summary, the available evidence is currently insufficient to determine the role of this variant in disease. Therefore, it has been classified as a Variant of Uncertain Significance.

Blueprint Genetics
Classification: Uncertain significance. Last evaluated: 2021-02-22. Review status: criteria provided, single submitter. Criteria: ACMG Guidelines, 2015. Collection method: clinical testing. Allele origin: germline.

NM_031220.4(PITPNM3):c.602G>A (p.Ser201Asn)

Gene: PITPNM3 (PITPNM family member 3; minus strand). Cytogenetic location: 17p13.2.
Variant type: single nucleotide variant.
Coding change: c.602G>A on transcript NM_031220.4 (MANE Select); coding-DNA position 602, G replaced by A.
Protein change: p.Ser201Asn; replaces serine 201 with asparagine.
Molecular consequence: missense variant.
Genome position (GRCh38, 1-based): chr17:6,478,722, C>T on the plus strand (G>A on the coding strand, the complement: PITPNM3 is on the minus strand). VCF-style: chr17-6478722-C-T. GRCh37 (hg19) VCF-style: chr17-6382042-C-T.
Other names: c.602G>A (NM_031220.3); c.494G>A, p.Ser165Asn (NM_001165966.2); short protein forms S165N, S201N.
Identifiers: ClinVar variation 2044879 (VCV002044879.6), dbSNP rs1312214261, ClinGen allele CA397409391.